The following is an entry in ClinVar:

NM_002226.5(JAG2):c.728C>A (p.Ala243Asp)

Gene: JAG2 (jagged canonical Notch ligand 2; minus strand). Cytogenetic location: 14q32.33.
Variant type: single nucleotide variant.
Coding change: c.728C>A on transcript NM_002226.5 (MANE Select); coding-DNA position 728, C replaced by A.
Protein change: p.Ala243Asp; replaces alanine 243 with aspartic acid.
Molecular consequence: missense variant.
Genome position (GRCh38, 1-based): chr14:105,155,622, G>T on the plus strand (C>A on the coding strand, the complement: JAG2 is on the minus strand). VCF-style: chr14-105155622-G-T. GRCh37 (hg19) VCF-style: chr14-105621959-G-T.
Other names: c.728C>A, p.Ala243Asp (NM_145159.3); short protein forms A243D.
Identifiers: ClinVar variation 1300190 (VCV001300190.2), dbSNP rs867073471, ClinGen allele CA267399171.

ClinVar aggregate classification (germline): Uncertain significance. Review status: criteria provided, single submitter (1 of 4 stars). 2 submissions from 2 submitters: Uncertain significance (1). 1 of the submissions does not count toward it. Last evaluated 2022-04-20.

Conditions:
Muscular dystrophy, limb-girdle, autosomal recessive 27. Identifiers: MedGen C5562002, MONDO:0030456, OMIM 619566.

Submissions (2):

SIB Swiss Institute of Bioinformatics
Classification: Uncertain significance for Muscular dystrophy, limb-girdle, autosomal recessive 27. Last evaluated: 2022-04-20. Review status: criteria provided, single submitter. Criteria: ACMG Guidelines, 2015. Collection method: curation. Allele origin: unknown.
Comment: This variant is interpreted as a variant of uncertain significance for Muscular dystrophy, limb-girdle, autosomal recessive 27. The following ACMG Tag(s) were applied: Absent from controls (or at extremely low frequency if recessive) in Exome Sequencing Project, 1000 Genomes Project, or Exome Aggregation Consortium (PM2); Cosegregation with disease in multiple affected family members in a gene definitively known to cause the disease (PP1).

OMIM
Classification: Pathogenic for MUSCULAR DYSTROPHY, LIMB-GIRDLE, AUTOSOMAL RECESSIVE 27. Last evaluated: 2021-10-19. Review status: no assertion criteria provided. Collection method: literature only. Allele origin: germline. Not counted in ClinVar's aggregate classification.

Literature cited by the submitters: PubMed 33861953 (cited by SIB Swiss Institute of Bioinformatics and OMIM).